The following is an entry in ClinVar:

NM_001364171.2(ODAD1):c.2011_2034del (p.Thr671_Gly678del)

Gene: ODAD1 (outer dynein arm docking complex subunit 1; minus strand). Cytogenetic location: 19q13.33.
Variant type: Deletion.
Coding change: c.2011_2034del on transcript NM_001364171.2 (MANE Select); coding-DNA positions 2011 to 2034, 24 bases deleted (ACAGCGTCTGATTCGAGCGGAGGC).
Protein change: p.Thr671_Gly678del.
Molecular consequence: inframe deletion.
Genome position (GRCh38, 1-based): chr19:48,297,066-48,297,089, GCCTCCGCTCGAATCAGACGCTGT deleted on the plus strand (ACAGCGTCTGATTCGAGCGGAGGC on the coding strand, the reverse complement: ODAD1 is on the minus strand); deleting any 24 consecutive bases within chr19:48,297,066-48,297,099 gives the same sequence; the c. name uses the placement nearest the transcript's 3' end. VCF-style (leftmost placement, unchanged base first): chr19-48297065-GGCCTCCGCTCGAATCAGACGCTGT-G. GRCh37 (hg19) VCF-style: chr19-48800322-GGCCTCCGCTCGAATCAGACGCTGT-G.
Other names: c.1900_1923del, p.Thr634_Gly641del (NM_144577.4).
Identifiers: ClinVar variation 2173903 (VCV002173903.3), dbSNP rs776327192, ClinGen allele CA9548494.

ClinVar aggregate classification (germline): Uncertain significance (1 of 4 stars; one submission).

Conditions:
Primary ciliary dyskinesia. Also called: Ciliary dyskinesia. Identifiers: Orphanet 244, MedGen C0008780, MONDO:0016575, HP:0012265.

Submission:

Labcorp Genetics (formerly Invitae), Labcorp
Classification: Uncertain significance for Primary ciliary dyskinesia. Last evaluated: 2023-03-08. Review status: criteria provided, single submitter. Criteria: Invitae Variant Classification Sherloc (09022015). Collection method: clinical testing. Allele origin: germline.
Comment: Experimental studies and prediction algorithms are not available or were not evaluated, and the functional significance of this variant is currently unknown. This variant, c.1900_1923del, results in the deletion of 8 amino acid(s) of the CCDC114 protein (p.Thr634_Gly641del), but otherwise preserves the integrity of the reading frame. This variant is present in population databases (rs776327192, gnomAD 0.005%). This variant has not been reported in the literature in individuals affected with CCDC114-related conditions. ClinVar contains an entry for this variant (Variation ID: 2173903). In summary, the available evidence is currently insufficient to determine the role of this variant in disease. Therefore, it has been classified as a Variant of Uncertain Significance.